The following is an entry in ClinVar:

ClinVar aggregate classification (germline): Uncertain significance. Review status: criteria provided, multiple submitters, no conflicts (2 of 4 stars). 10 submissions from 10 submitters: Uncertain significance (7). 3 of the submissions do not count toward it. Last evaluated 2025-11-04.

Conditions:
VPS13B-related disorder. Also called: VPS13B-related condition.
Inborn genetic diseases. Identifiers: MedGen C0950123, MeSH D030342.
Cohen syndrome (COH1). Also called: PEPPER SYNDROME; Cutis verticis gyrata, retinitis pigmentosa, and sensorineural deafness. Identifiers: Orphanet 193, MedGen C0265223, MONDO:0008999, OMIM 216550.

Allele frequency attached by ClinVar (database versions not stated): gnomAD exomes 0.00001; TOPMed 0.00003; gnomAD 0.00004; ExAC 0.00001.
gnomAD v4.1: 35 of 1,547,066 alleles (0.0023%); highest among the groups gnomAD compares: African/African-American, 0.03%; no homozygotes.

Submissions (10):

Labcorp Genetics (formerly Invitae), Labcorp
Classification: Uncertain significance for Cohen syndrome. Last evaluated: 2025-11-04. Review status: criteria provided, single submitter. Criteria: Invitae Variant Classification Sherloc (09022015). Collection method: clinical testing. Allele origin: germline.
Comment: This sequence change replaces threonine, which is neutral and polar, with alanine, which is neutral and non-polar, at codon 622 of the VPS13B protein (p.Thr622Ala). This variant is present in population databases (rs398124329, gnomAD 0.01%). This variant has not been reported in the literature in individuals affected with VPS13B-related conditions. ClinVar contains an entry for this variant (Variation ID: 95836). Invitae Evidence Modeling of protein sequence and biophysical properties (such as structural, functional, and spatial information, amino acid conservation, physicochemical variation, residue mobility, and thermodynamic stability) indicates that this missense variant is not expected to disrupt VPS13B protein function with a negative predictive value of 80%. In summary, the available evidence is currently insufficient to determine the role of this variant in disease. Therefore, it has been classified as a Variant of Uncertain Significance.

Blueprint Genetics
Classification: Uncertain significance. Last evaluated: 2024-11-25. Review status: criteria provided, single submitter. Criteria: ACMG Guidelines, 2015. Collection method: clinical testing. Allele origin: germline.

Ambry Genetics
Classification: Uncertain significance for Inborn genetic diseases. Last evaluated: 2021-07-13. Review status: criteria provided, single submitter. Criteria: Ambry Variant Classification Scheme 2023. Collection method: clinical testing. Allele origin: germline.

Baylor Genetics
Classification: Uncertain significance for Cohen syndrome. Last evaluated: 2019-09-22. Review status: criteria provided, single submitter. Criteria: ACMG Guidelines, 2015. Collection method: clinical testing. Allele origin: unknown. Affected: yes.
Comment: This variant was determined to be of uncertain significance according to ACMG Guidelines, 2015 [PMID:25741868].

Genetic Services Laboratory, University of Chicago
Classification: Uncertain significance. Last evaluated: 2019-04-19. Review status: criteria provided, single submitter. Criteria: ACMG Guidelines, 2015. Collection method: clinical testing. Allele origin: germline. Affected: no.

Illumina Laboratory Services, Illumina
Classification: Uncertain significance for Cohen syndrome. Last evaluated: 2018-01-13. Review status: criteria provided, single submitter. Criteria: ICSL Variant Classification Criteria 13 December 2019. Collection method: clinical testing. Allele origin: germline.

Eurofins Ntd Llc (ga)
Classification: Uncertain significance. Last evaluated: 2013-04-26. Review status: criteria provided, single submitter. Criteria: EGL Classification Definitions 2015. Collection method: clinical testing. Allele origin: germline. Observed: 1 variant allele, 1 heterozygote.

PreventionGenetics, part of Exact Sciences
Classification: Uncertain significance for VPS13B-related condition. Last evaluated: 2024-08-09. Review status: no assertion criteria provided. Collection method: clinical testing. Allele origin: germline. Not counted in ClinVar's aggregate classification.
Comment: The VPS13B c.1864A>G variant is predicted to result in the amino acid substitution p.Thr622Ala. To our knowledge, this variant has not been reported in the literature. This variant is reported in 0.012% of alleles in individuals of African descent in gnomAD. At this time, the clinical significance of this variant is uncertain due to the absence of conclusive functional and genetic evidence.

Natera, Inc.
Classification: Uncertain significance for Cohen syndrome. Last evaluated: 2020-09-08. Review status: no assertion criteria provided. Collection method: clinical testing. Allele origin: germline. Not counted in ClinVar's aggregate classification.

Counsyl
Classification: Uncertain significance for Cohen syndrome. Last evaluated: 2017-06-27. Review status: no assertion criteria provided. Collection method: clinical testing. Allele origin: unknown. Not counted in ClinVar's aggregate classification.

NM_152564.5(VPS13B):c.1864A>G (p.Thr622Ala)

Gene: VPS13B (vacuolar protein sorting 13 homolog B; plus strand). Cytogenetic location: 8q22.2.
Variant type: single nucleotide variant.
Coding change: c.1864A>G on transcript NM_152564.5 (MANE Select); coding-DNA position 1864, A replaced by G.
Protein change: p.Thr622Ala; replaces threonine 622 with alanine.
Molecular consequence: missense variant.
Genome position (GRCh38, 1-based): chr8:99,147,861, A>G. VCF-style: chr8-99147861-A-G. GRCh37 (hg19) VCF-style: chr8-100160089-A-G.
Other names: c.1864A>G (NM_152564.4, NM_017890.3); c.1864A>G, p.Thr622Ala (NM_015243.3, NM_017890.5); short protein forms T622A.
Identifiers: ClinVar variation 95836 (VCV000095836.36), dbSNP rs398124329, ClinGen allele CA223392.
Genomic context (GRCh38, chr8:99,147,861, plus strand): 5'-AAAAATATTCTTTATTAATTTTTTATCATTTTAATTTTAGATATTAAGGATGAAAATGAA[A>G]CAATACTGAATCCTGAAGAGGTGGCTCTTCTGGAGGAATATATTCCTACTCGACATACAA-3'
Protein context (NP_689777.3, residues 612-632): LKSDIKDENE[Thr622Ala]ILNPEEVALL